The following is an entry in ClinVar:

NM_005477.3(HCN4):c.1084C>T (p.Arg362Cys)

Genes: HCN4 (hyperpolarization activated cyclic nucleotide gated potassium channel 4; minus strand), LOC126862173 (CDK7 strongly-dependent group 2 enhancer GRCh37_chr15:73635762-73636961; plus strand), LOC105370890 (uncharacterized LOC105370890; plus strand). Cytogenetic location: 15q24.1.
Variant type: single nucleotide variant.
Coding change: c.1084C>T on transcript NM_005477.3 (MANE Select); coding-DNA position 1084, C replaced by T.
Protein change: p.Arg362Cys; replaces arginine 362 with cysteine.
Molecular consequence: missense variant. On other transcripts: non-coding transcript variant (1).
Genome position (GRCh38, 1-based): chr15:73,343,510, G>A on the plus strand (C>T on the coding strand, the complement: HCN4 is on the minus strand). VCF-style: chr15-73343510-G-A. GRCh37 (hg19) VCF-style: chr15-73635851-G-A.
Other names: short protein forms R362C.
Identifiers: ClinVar variation 2876541 (VCV002876541.3), dbSNP rs1209174833, ClinGen allele CA393094882.

ClinVar aggregate classification (germline): Uncertain significance (1 of 4 stars; one submission).

Conditions:
Brugada syndrome 8 (BRGDA8). Identifiers: Orphanet 130, MedGen C2751083, MONDO:0013148, OMIM 613123.

Allele frequency attached by ClinVar (database versions not stated): TOPMed below 0.00001; gnomAD exomes 0.00001.

Submission:

Labcorp Genetics (formerly Invitae), Labcorp
Classification: Uncertain significance for Brugada syndrome 8. Last evaluated: 2023-10-08. Review status: criteria provided, single submitter. Criteria: Invitae Variant Classification Sherloc (09022015). Collection method: clinical testing. Allele origin: germline.
Comment: This sequence change replaces arginine, which is basic and polar, with cysteine, which is neutral and slightly polar, at codon 362 of the HCN4 protein (p.Arg362Cys). This variant is present in population databases (no rsID available, gnomAD 0.007%). This variant has not been reported in the literature in individuals affected with HCN4-related conditions. Advanced modeling of protein sequence and biophysical properties (such as structural, functional, and spatial information, amino acid conservation, physicochemical variation, residue mobility, and thermodynamic stability) performed at Invitae indicates that this missense variant is not expected to disrupt HCN4 protein function. In summary, the available evidence is currently insufficient to determine the role of this variant in disease. Therefore, it has been classified as a Variant of Uncertain Significance.